The following is an entry in ClinVar:

NM_005051.3(QARS1):c.835G>A (p.Gly279Arg)

Gene: QARS1 (glutaminyl-tRNA synthetase 1; minus strand). Cytogenetic location: 3p21.31.
Variant type: single nucleotide variant.
Coding change: c.835G>A on transcript NM_005051.3 (MANE Select); coding-DNA position 835, G replaced by A.
Protein change: p.Gly279Arg; replaces glycine 279 with arginine.
Molecular consequence: missense variant. On other transcripts: non-coding transcript variant (1).
Genome position (GRCh38, 1-based): chr3:49,101,396, C>T on the plus strand (G>A on the coding strand, the complement: QARS1 is on the minus strand). VCF-style: chr3-49101396-C-T. GRCh37 (hg19) VCF-style: chr3-49138829-C-T.
Other names: c.802G>A, p.Gly268Arg (NM_001272073.2); short protein forms G268R, G279R.
Identifiers: ClinVar variation 970214 (VCV000970214.4), dbSNP rs2042468435, ClinGen allele CA352714114.

ClinVar aggregate classification (germline): Uncertain significance (1 of 4 stars; one submission).

Conditions:
Diffuse cerebral and cerebellar atrophy - intractable seizures - progressive microcephaly syndrome. Also called: Microcephaly, progressive, with seizures and cerebral and cerebellar atrophy. Identifiers: Orphanet 404437, MedGen C4014239, MONDO:0014335, OMIM 615760.

Submission:

Labcorp Genetics (formerly Invitae), Labcorp
Classification: Uncertain significance for Diffuse cerebral and cerebellar atrophy - intractable seizures - progressive microcephaly syndrome. Last evaluated: 2021-09-01. Review status: criteria provided, single submitter. Criteria: Invitae Variant Classification Sherloc (09022015). Collection method: clinical testing. Allele origin: germline.
Comment: This sequence change replaces glycine with arginine at codon 279 of the QARS protein (p.Gly279Arg). The glycine residue is highly conserved and there is a moderate physicochemical difference between glycine and arginine. This variant is not present in population databases (ExAC no frequency). This variant has not been reported in the literature in individuals affected with QARS-related conditions. Algorithms developed to predict the effect of missense changes on protein structure and function (SIFT, PolyPhen-2, Align-GVGD) all suggest that this variant is likely to be disruptive. Algorithms developed to predict the effect of sequence changes on RNA splicing suggest that this variant may create or strengthen a splice site. In summary, the available evidence is currently insufficient to determine the role of this variant in disease. Therefore, it has been classified as a Variant of Uncertain Significance.